The following is an entry in ClinVar:

NM_025265.4(TSEN2):c.353_354del (p.Gln118fs)

Gene: TSEN2 (tRNA splicing endonuclease subunit 2; plus strand). Cytogenetic location: 3p25.2.
Variant type: Deletion.
Coding change: c.353_354del on transcript NM_025265.4 (MANE Select); coding-DNA positions 353 to 354, 2 bases deleted (AG; older notation c.353_354delAG).
Protein change: p.Gln118fs; shifts the reading frame from glutamine 118.
Molecular consequence: frameshift variant. On other transcripts: non-coding transcript variant (1).
Genome position (GRCh38, 1-based): chr3:12,503,306-12,503,307, AG deleted. VCF-style (leftmost placement, unchanged base first): chr3-12503305-CAG-C. GRCh37 (hg19) VCF-style: chr3-12544804-CAG-C.
Other names: c.353_354del, p.Gln118fs (NM_001145392.2, NM_001145393.3, NM_001145394.2 and 3 more transcripts); c.353_354delAG (NM_025265.3); short protein forms Q118fs.
Identifiers: ClinVar variation 495253 (VCV000495253.5), dbSNP rs755246924, ClinGen allele CA2258495.

ClinVar aggregate classification (germline): Likely pathogenic. Review status: criteria provided, multiple submitters, no conflicts (2 of 4 stars). 4 submissions from 4 submitters: Likely pathogenic (4). Last evaluated 2024-02-22.

Conditions:
Pontoneocerebellar hypoplasia. Also called: Pontocerebellar hypoplasia; Non-syndromic pontocerebellar hypoplasia. Identifiers: Orphanet 98523, MedGen C1261175, MONDO:0020135.
Pontocerebellar hypoplasia type 2B (PCH2B). Identifiers: Orphanet 2524, MedGen C2676466, MONDO:0012890, OMIM 612389.
TSEN2-related disorder. Also called: TSEN2-related condition.

Allele frequency attached by ClinVar (database versions not stated): gnomAD exomes 0.00004 and 0.00002; ExAC 0.00002; gnomAD 0.00002 and 0.00003; TOPMed 0.00002.

Submissions (4):

Fulgent Genetics
Classification: Likely pathogenic for Pontocerebellar hypoplasia type 2B. Last evaluated: 2024-02-22. Review status: criteria provided, single submitter. Criteria: ACMG Guidelines, 2015. Collection method: clinical testing. Allele origin: germline.

Women's Health and Genetics/Laboratory Corporation of America, LabCorp
Classification: Likely pathogenic for Pontoneocerebellar hypoplasia. Last evaluated: 2023-03-01. Review status: criteria provided, single submitter. Criteria: LabCorp Variant Classification Summary - May 2015. Collection method: clinical testing. Allele origin: germline.
Comment: Variant summary: TSEN2 c.353_354delAG (p.Gln118ArgfsX4) results in a premature termination codon, predicted to cause a truncation of the encoded protein or absence of the protein due to nonsense mediated decay. Truncations downstream of this position have been reported in affected individuals (e.g. PMIDs: 23562994, 35266334). The variant allele was found at a frequency of 2.4e-05 in 251208 control chromosomes. To our knowledge, no occurrence of c.353_354delAG in individuals affected with Pontocerebellar Hypoplasia, Type 2B and no experimental evidence demonstrating its impact on protein function have been reported. One clinical diagnostic laboratory has submitted clinical-significance assessments for this variant to ClinVar after 2014 and classified the variant as likely pathogenic. Based on the evidence outlined above, the variant was classified as likely pathogenic.

Blueprint Genetics
Classification: Likely pathogenic for TSEN2-related disorders. Last evaluated: 2023-01-18. Review status: criteria provided, single submitter. Criteria: ACMG Guidelines, 2015. Collection method: clinical testing. Allele origin: germline. Affected: yes. Observed: 5 variant alleles.

NeuroMeGen, Hospital Clinico Santiago de Compostela
Classification: Likely pathogenic for Pontocerebellar hypoplasia type 2B. Last evaluated: 2018-01-01. Review status: criteria provided, single submitter. Criteria: ACMG Guidelines, 2015. Collection method: clinical testing. Allele origin: maternal. Affected: yes. Observed: 1 compound heterozygote.